The following is an entry in ClinVar:

NM_001330701.2(AGTPBP1):c.3343-592A>G

Gene: AGTPBP1 (ATP/GTP binding carboxypeptidase 1; minus strand). Cytogenetic location: 9q21.33.
Variant type: single nucleotide variant.
Coding change: c.3343-592A>G on transcript NM_001330701.2 (MANE Select); 592 bases into the intron before coding-DNA position 3343, A replaced by G.
Molecular consequence: intron variant.
Genome position (GRCh38, 1-based): chr9:85,576,067, T>C on the plus strand (A>G on the coding strand, the complement: AGTPBP1 is on the minus strand). VCF-style: chr9-85576067-T-C. GRCh37 (hg19) VCF-style: chr9-88190982-T-C.
Other names: c.3379-592A>G (NM_001286717.1); c.3499-592A>G (NM_001286715.1); c.3223-592A>G (NM_015239.3).
Identifiers: ClinVar variation 4854965 (VCV004854965.1).

ClinVar aggregate classification (germline): Uncertain significance (1 of 4 stars; one submission).

Conditions:
Neurodegeneration, childhood-onset, with cerebellar atrophy. Identifiers: MedGen C4748934, MONDO:0032650, OMIM 618276.

gnomAD v4.1: 14 of 152,304 alleles (0.0092%); highest among the groups gnomAD compares: South Asian, 0.27%; no homozygotes.

Submission:

3billion
Classification: Uncertain significance for Neurodegeneration, childhood-onset, with cerebellar atrophy. Last evaluated: 2025-11-05. Review status: criteria provided, single submitter. Criteria: ACMG Guidelines, 2015. Collection method: clinical testing. Allele origin: germline. Affected: yes.
Comment: The variant is not observed in the gnomAD v4.1.0 dataset. Predicted Consequence/Location: Canonical splice site: predicted to alter splicing and result in a loss or disruption of normal protein function. Multiple pathogenic loss-of-function variants are reported downstream of the variant. In silico tools predict the variant to alter splicing and produce an abnormal transcript [SpliceAI: 1.00 (spliceogenicity >=0.2, non-spliceogenicity <0.1)]. Therefore, this variant is classified as Likely pathogenic according to the recommendation of ACMG/AMP guideline.